The following is an entry in ClinVar:

NM_001032283.3(TMPO):c.565+2196A>G

Gene: TMPO (thymopoietin; plus strand). Cytogenetic location: 12q23.1.
Variant type: single nucleotide variant.
Coding change: c.565+2196A>G on transcript NM_001032283.3 (MANE Select); 2196 bases into the intron after coding-DNA position 565, A replaced by G.
Molecular consequence: intron variant. On other transcripts: missense variant (1).
Genome position (GRCh38, 1-based): chr12:98,534,034, A>G. VCF-style: chr12-98534034-A-G. GRCh37 (hg19) VCF-style: chr12-98927812-A-G.
Other names: c.1777A>G, p.Met593Val (NM_003276.2); c.565+2196A>G (NM_001307975.2, NM_001032284.3); short protein forms M593V.
Identifiers: ClinVar variation 576173 (VCV000576173.13), dbSNP rs369840957, ClinGen allele CA6732481.

ClinVar aggregate classification (germline): Uncertain significance. Review status: criteria provided, multiple submitters, no conflicts (2 of 4 stars). 2 submissions from 2 submitters: Uncertain significance (2). Last evaluated 2025-12-10.

Conditions:
Loeys-Dietz syndrome 2 (LDS2). Also called: TGFBR2-Related Loeys-Dietz Syndrome; Marfan Syndrome type 2; Marfan like connective tissue disorder; MFS 2; AORTIC ANEURYSM, FAMILIAL THORACIC 3; MARFAN SYNDROME, TYPE II. Identifiers: Orphanet 284973, Orphanet 558, MedGen C2674574, MONDO:0012427, OMIM 610168.

Allele frequency attached by ClinVar (database versions not stated): ExAC 0.00002; gnomAD exomes 0.00002; gnomAD 0.00005 and 0.00006; TOPMed 0.00006; ESP Exome Variant Server 0.00008.
gnomAD v4.1: 33 of 1,608,458 alleles (0.0021%); highest among the groups gnomAD compares: African/African-American, 0.016%; no homozygotes.

Submissions (2):

Labcorp Genetics (formerly Invitae), Labcorp
Classification: Uncertain significance for Loeys-Dietz syndrome 2. Last evaluated: 2025-12-10. Review status: criteria provided, single submitter. Criteria: Invitae Variant Classification Sherloc (09022015). Collection method: clinical testing. Allele origin: germline.
Comment: This sequence change replaces methionine, which is neutral and non-polar, with valine, which is neutral and non-polar, at codon 593 of the TMPO protein (p.Met593Val). This variant is present in population databases (rs369840957, gnomAD 0.01%). This variant has not been reported in the literature in individuals affected with TMPO-related conditions. ClinVar contains an entry for this variant (Variation ID: 576173). Invitae Evidence Modeling of protein sequence and biophysical properties (such as structural, functional, and spatial information, amino acid conservation, physicochemical variation, residue mobility, and thermodynamic stability) indicates that this missense variant is not expected to disrupt TMPO protein function with a negative predictive value of 80%. In summary, the available evidence is currently insufficient to determine the role of this variant in disease. Therefore, it has been classified as a Variant of Uncertain Significance.

Ambry Genetics
Classification: Uncertain significance. Last evaluated: 2024-12-21. Review status: criteria provided, single submitter. Criteria: Ambry Variant Classification Scheme 2023. Collection method: clinical testing. Allele origin: germline.
Comment: The p.M593V variant (also known as c.1777A>G), located in coding exon 4 of the TMPO gene, results from an A to G substitution at nucleotide position 1777. The methionine at codon 593 is replaced by valine, an amino acid with highly similar properties. This amino acid position is conserved. In addition, this alteration is predicted to be tolerated by in silico analysis. Since supporting evidence is limited at this time, the clinical significance of this alteration remains unclear.